The following is an entry in ClinVar:

ClinVar aggregate classification (germline): Uncertain significance (1 of 4 stars; one submission).

Submission:

Labcorp Genetics (formerly Invitae), Labcorp
Classification: Uncertain significance. Last evaluated: 2022-07-19. Review status: criteria provided, single submitter. Criteria: Invitae Variant Classification Sherloc (09022015). Collection method: clinical testing. Allele origin: germline.
Comment: Algorithms developed to predict the effect of missense changes on protein structure and function are either unavailable or do not agree on the potential impact of this missense change (SIFT: "Deleterious"; PolyPhen-2: "Not Available"; Align-GVGD: "Class C0"). ClinVar contains an entry for this variant (Variation ID: 1482056). This variant has not been reported in the literature in individuals affected with PCLO-related conditions. This variant is not present in population databases (gnomAD no frequency). This sequence change replaces glutamic acid, which is acidic and polar, with lysine, which is basic and polar, at codon 3786 of the PCLO protein (p.Glu3786Lys). In summary, the available evidence is currently insufficient to determine the role of this variant in disease. Therefore, it has been classified as a Variant of Uncertain Significance.

NM_033026.6(PCLO):c.11356G>A (p.Glu3786Lys)

Gene: PCLO (piccolo presynaptic cytomatrix protein; minus strand). Cytogenetic location: 7q21.11.
Variant type: single nucleotide variant.
Coding change: c.11356G>A on transcript NM_033026.6 (MANE Select); coding-DNA position 11356, G replaced by A.
Protein change: p.Glu3786Lys; replaces glutamic acid 3786 with lysine.
Molecular consequence: missense variant.
Genome position (GRCh38, 1-based): chr7:82,916,630, C>T on the plus strand (G>A on the coding strand, the complement: PCLO is on the minus strand). VCF-style: chr7-82916630-C-T. GRCh37 (hg19) VCF-style: chr7-82545946-C-T.
Other names: c.11356G>A, p.Glu3786Lys (NM_014510.3); short protein forms E3786K.
Identifiers: ClinVar variation 1482056 (VCV001482056.8), dbSNP rs2116273938, ClinGen allele CA367894051.